The following is an entry in ClinVar:

NM_001690.4(ATP6V1A):c.695_716+40del

Gene: ATP6V1A (ATPase H+ transporting V1 subunit A; plus strand). Cytogenetic location: 3q13.31.
Variant type: Deletion.
Coding change: c.695_716+40del on transcript NM_001690.4 (MANE Select); coding-DNA position 695 through 40 bases into the intron after coding-DNA position 716, 62 bases deleted.
Molecular consequence: splice donor variant.
Genome position (GRCh38, 1-based): chr3:113,786,362-113,786,423, 62 bases deleted. GRCh37 (hg19): chr3:113,505,209-113,505,270.
Identifiers: ClinVar variation 3370582 (VCV003370582.1).

ClinVar aggregate classification (germline): Uncertain significance (1 of 4 stars; one submission).

Submission:

GeneDx
Classification: Uncertain significance. Last evaluated: 2024-03-06. Review status: criteria provided, single submitter. Criteria: GeneDx Variant Classification Process June 2021. Collection method: clinical testing. Allele origin: germline. Affected: yes.
Comment: Not observed at significant frequency in large population cohorts (gnomAD); Canonical splice site variant in a gene or region of a gene for which loss of function is not a well-established mechanism of disease; Has not been previously published as pathogenic or benign to our knowledge